The following is an entry in ClinVar:

NM_013275.6(ANKRD11):c.1686del (p.Ser563fs)

Gene: ANKRD11 (ankyrin repeat domain containing 11; minus strand). Cytogenetic location: 16q24.3.
Variant type: Deletion.
Coding change: c.1686del on transcript NM_013275.6 (MANE Select); coding-DNA position 1686, one base deleted (C; older notation c.1686delC).
Protein change: p.Ser563fs; shifts the reading frame from serine 563.
Molecular consequence: frameshift variant.
Genome position (GRCh38, 1-based): chr16:89,284,856, G deleted on the plus strand (C on the coding strand, the reverse complement: ANKRD11 is on the minus strand). VCF-style (leftmost placement, unchanged base first): chr16-89284855-TG-T. GRCh37 (hg19) VCF-style: chr16-89351263-TG-T.
Other names: c.1686del, p.Ser563fs (NM_001256182.2, NM_001256183.2); short protein forms S563fs.
Identifiers: ClinVar variation 817347 (VCV000817347.1), dbSNP rs1597463562, ClinGen allele CA915949402.

ClinVar aggregate classification (germline): Pathogenic (1 of 4 stars; one submission).

Submission:

GeneDx
Classification: Pathogenic. Last evaluated: 2018-12-17. Review status: criteria provided, single submitter. Criteria: GeneDx Variant Classification (06012015). Collection method: clinical testing. Allele origin: germline. Affected: yes.
Comment: The c.1686delC variant in the ANKRD11 gene has not been reported previously as a pathogenic variant nor as a benign variant, to our knowledge. The c.1686delC variant causes a frameshift starting with codon Serine 563, changes this amino acid to a Valine residue, and creates a premature Stop codon at position 11 of the new reading frame, denoted p.Ser563ValfsX11. This variant is predicted to cause loss of normal protein function either through protein truncation or nonsense-mediated mRNA decay. The c.1686delC variant is not observed in large population cohorts (Lek et al., 2016). We interpret c.1686delC as a pathogenic variant.